The following is an entry in ClinVar:

ClinVar aggregate classification (germline): Conflicting classifications of pathogenicity. Review status: criteria provided, conflicting classifications (1 of 4 stars). 6 submissions from 6 submitters: Pathogenic (1); Likely pathogenic (3); Uncertain significance (2). Last evaluated 2026-07-01.

Conditions:
Glycogen storage disease, type II (IOPD). Also called: Glucosidase acid-1,4-alpha deficiency; Pompe Disease; CARDIOMEGALIA GLYCOGENICA DIFFUSA; GLYCOGENOSIS, GENERALIZED, CARDIAC FORM; GSD II; Glycogen storage disease type 2. Identifiers: Orphanet 365, MedGen C0017921, MONDO:0009290, OMIM 232300.

Allele frequency attached by ClinVar (database versions not stated): gnomAD 0.00001; gnomAD exomes 0.00001; TOPMed 0.00001.
gnomAD v4.1: 10 of 1,613,210 alleles (0.00062%); highest among the groups gnomAD compares: Non-Finnish European, 0.00085%; no homozygotes.

Submissions (6):

Genomenon, Inc
Classification: Uncertain significance for Glycogen storage disease, type II. Last evaluated: 2026-07-01. Review status: criteria provided, single submitter. Criteria: Genomenon Sequence Variant Interpretation Standards - Updated. Collection method: curation. Allele origin: germline. Affected: no.
Comment: GAA p.Tyr766Asn (c.2296T>A) is a missense variant that changes the amino acid at codon 766 from Tyrosine to Asparagine. This variant has been reported in the published literature (PMID:37087815;32518148;31342611;31086307;33560568;38250073). It is absent or not present at a significant frequency in gnomAD. In silico models predict that this variant is possibly or probably damaging. In conclusion, we classify GAA p.Tyr766Asn (c.2296T>A) as a variant of uncertain significance.

Labcorp Genetics (formerly Invitae), Labcorp
Classification: Likely pathogenic for Glycogen storage disease, type II. Last evaluated: 2025-10-14. Review status: criteria provided, single submitter. Criteria: Invitae Variant Classification Sherloc (09022015). Collection method: clinical testing. Allele origin: germline.
Comment: This sequence change replaces tyrosine, which is neutral and polar, with asparagine, which is neutral and polar, at codon 766 of the GAA protein (p.Tyr766Asn). This variant is present in population databases (no rsID available, gnomAD 0.002%). This missense change has been observed on the same chromosome as p.Pro522Ser in individual(s) with Pompe disease (PMID: 31086307). ClinVar contains an entry for this variant (Variation ID: 1005758). Invitae Evidence Modeling of protein sequence and biophysical properties (such as structural, functional, and spatial information, amino acid conservation, physicochemical variation, residue mobility, and thermodynamic stability) indicates that this missense variant is expected to disrupt GAA protein function with a positive predictive value of 95%. This variant disrupts the p.Tyr766 amino acid residue in GAA. Other variant(s) that disrupt this residue have been determined to be pathogenic (PMID: 22521436, 22538254, 28394184). This suggests that this residue is clinically significant, and that variants that disrupt this residue are likely to be disease-causing. In summary, the currently available evidence indicates that the variant is pathogenic, but additional data are needed to prove that conclusively. Therefore, this variant has been classified as Likely Pathogenic.

CeGaT Center for Human Genetics Tuebingen
Classification: Likely pathogenic. Last evaluated: 2025-07-01. Review status: criteria provided, single submitter. Criteria: CeGaT Center For Human Genetics Tuebingen Variant Classification Criteria Version 2. Collection method: clinical testing. Allele origin: germline. Affected: yes. Observed: 1 variant allele.
Comment: GAA: PM1, PM2, PM5

GeneDx
Classification: Likely pathogenic. Last evaluated: 2024-11-14. Review status: criteria provided, single submitter. Criteria: GeneDx Variant Classification Process June 2021. Collection method: clinical testing. Allele origin: germline.
Comment: Has been reported in the published literature in a patient with known diagnosis of Pompe disease in cis with p.M427I and as well as [p.(P522S; Y766N)] on the opposite allele (in trans) (PMID: 31086307); In silico analysis supports that this missense variant has a deleterious effect on protein structure/function; Not observed at significant frequency in large population cohorts (gnomAD); This variant is associated with the following publications: (PMID: 22521436, 26693141, 31086307)

Revvity Omics, Revvity
Classification: Uncertain significance. Last evaluated: 2023-01-10. Review status: criteria provided, single submitter. Criteria: ACMG Guidelines, 2015. Collection method: clinical testing. Allele origin: germline.

Fulgent Genetics
Classification: Pathogenic for Glycogen storage disease, type II. Last evaluated: 2022-03-23. Review status: criteria provided, single submitter. Criteria: ACMG Guidelines, 2015. Collection method: clinical testing. Allele origin: unknown.

Literature cited by the submitters: PubMed 37087815 (cited by Genomenon, Inc); PubMed 32518148 (cited by Genomenon, Inc); PubMed 31342611 (cited by Genomenon, Inc); PubMed 31086307 (cited by Genomenon, Inc and Labcorp Genetics (formerly Invitae), Labcorp); PubMed 33560568 (cited by Genomenon, Inc); PubMed 38250073 (cited by Genomenon, Inc); PubMed 22521436 (cited by Labcorp Genetics (formerly Invitae), Labcorp); PubMed 22538254 (cited by Labcorp Genetics (formerly Invitae), Labcorp); PubMed 28394184 (cited by Labcorp Genetics (formerly Invitae), Labcorp).

NM_000152.5(GAA):c.2296T>A (p.Tyr766Asn)

Gene: GAA (alpha glucosidase; plus strand). Cytogenetic location: 17q25.3.
Variant type: single nucleotide variant.
Coding change: c.2296T>A on transcript NM_000152.5 (MANE Select); coding-DNA position 2296, T replaced by A.
Protein change: p.Tyr766Asn; replaces tyrosine 766 with asparagine.
Molecular consequence: missense variant.
Genome position (GRCh38, 1-based): chr17:80,117,074, T>A. VCF-style: chr17-80117074-T-A. GRCh37 (hg19) VCF-style: chr17-78090873-T-A.
Other names: c.2296T>A, p.Tyr766Asn (NM_001079803.3, NM_001079804.3); c.2296T>A (NM_000152.3); short protein forms Y766N.
Identifiers: ClinVar variation 1005758 (VCV001005758.21), dbSNP rs941181575, ClinGen allele CA294856634.
Genomic context (GRCh38, chr17:80,117,074, plus strand): 5'-TGGGGGGAGGCCCTGCTCATCACCCCAGTGCTCCAGGCCGGGAAGGCCGAAGTGACTGGC[T>A]ACTTCCCCTTGGGCACATGGTACGACCTGCAGACGGTGAGTCTGGGGACCCTAAGCCCTG-3'
Protein context (NP_000143.2, residues 756-776): LQAGKAEVTG[Tyr766Asn]FPLGTWYDLQ